The following is an entry in ClinVar:

NM_001042492.3(NF1):c.2102A>C (p.Glu701Ala)

Gene: NF1 (neurofibromin 1; plus strand). Cytogenetic location: 17q11.2.
Variant type: single nucleotide variant.
Coding change: c.2102A>C on transcript NM_001042492.3 (MANE Select); coding-DNA position 2102, A replaced by C.
Protein change: p.Glu701Ala; replaces glutamic acid 701 with alanine.
Molecular consequence: missense variant.
Genome position (GRCh38, 1-based): chr17:31,226,535, A>C. VCF-style: chr17-31226535-A-C. GRCh37 (hg19) VCF-style: chr17-29553553-A-C.
Other names: c.2102A>C, p.Glu701Ala (NM_000267.4); short protein forms E701A.
Identifiers: ClinVar variation 1785936 (VCV001785936.2), dbSNP rs2151425791, ClinGen allele CA398982261.

ClinVar aggregate classification (germline): Uncertain significance (1 of 4 stars; one submission).

Conditions:
Hereditary cancer-predisposing syndrome. Also called: Neoplastic Syndromes, Hereditary; Tumor predisposition; Hereditary Cancer Syndrome; Hereditary neoplastic syndrome. Identifiers: Orphanet 140162, MedGen C0027672, MeSH D009386, MONDO:0015356.
Cardiovascular phenotype. Identifiers: MedGen CN230736.

Submission:

Ambry Genetics
Classification: Uncertain significance for Cardiovascular phenotype; Hereditary cancer-predisposing syndrome. Last evaluated: 2022-07-08. Review status: criteria provided, single submitter. Criteria: Ambry Variant Classification Scheme 2023. Collection method: clinical testing. Allele origin: germline.
Comment: The p.E701A variant (also known as c.2102A>C), located in coding exon 18 of the NF1 gene, results from an A to C substitution at nucleotide position 2102. The glutamic acid at codon 701 is replaced by alanine, an amino acid with dissimilar properties. This amino acid position is conserved. In addition, the in silico prediction for this alteration is inconclusive. Since supporting evidence is limited at this time, the clinical significance of this alteration remains unclear.